The following is an entry in ClinVar:

ClinVar aggregate classification (germline): Uncertain significance. Review status: criteria provided, multiple submitters, no conflicts (2 of 4 stars). 3 submissions from 3 submitters: Uncertain significance (3). Last evaluated 2026-06-25.

Conditions:
Progressive familial heart block type IB (PFHB1B). Identifiers: Orphanet 871, MedGen C1970298, MONDO:0011474, OMIM 604559.
Cardiovascular phenotype. Identifiers: MedGen CN230736.

Allele frequency attached by ClinVar (database versions not stated): gnomAD 0.00001; ExAC 0.00002; TOPMed below 0.00001; gnomAD exomes 0.00001 and 0.00002.
gnomAD v4.1: 16 of 1,614,054 alleles (0.00099%); highest among the groups gnomAD compares: Middle Eastern, 0.016%; no homozygotes.

Submissions (3):

Ambry Genetics
Classification: Uncertain significance for Cardiovascular phenotype. Last evaluated: 2026-06-25. Review status: criteria provided, single submitter. Criteria: Ambry Variant Classification Scheme 2023. Collection method: clinical testing. Allele origin: germline.
Comment: The p.E723Q variant (also known as c.2167G>C), located in coding exon 16 of the TRPM4 gene, results from a G to C substitution at nucleotide position 2167. The glutamic acid at codon 723 is replaced by glutamine, an amino acid with highly similar properties. This amino acid position is conserved. In addition, this alteration is predicted to be tolerated by in silico analysis. Based on the available evidence, the clinical significance of this variant remains unclear.

Labcorp Genetics (formerly Invitae), Labcorp
Classification: Uncertain significance for Progressive familial heart block type IB. Last evaluated: 2024-08-10. Review status: criteria provided, single submitter. Criteria: Invitae Variant Classification Sherloc (09022015). Collection method: clinical testing. Allele origin: germline.
Comment: This sequence change replaces glutamic acid, which is acidic and polar, with glutamine, which is neutral and polar, at codon 723 of the TRPM4 protein (p.Glu723Gln). This variant is present in population databases (rs765749642, gnomAD 0.01%). This variant has not been reported in the literature in individuals affected with TRPM4-related conditions. ClinVar contains an entry for this variant (Variation ID: 1525946). An algorithm developed to predict the effect of missense changes on protein structure and function (PolyPhen-2) suggests that this variant is likely to be tolerated. In summary, the available evidence is currently insufficient to determine the role of this variant in disease. Therefore, it has been classified as a Variant of Uncertain Significance.

Breakthrough Genomics
Classification: Uncertain significance. Review status: criteria provided, single submitter. Criteria: ACMG Guidelines, 2015. Collection method: not provided. Allele origin: germline. Inheritance: Autosomal dominant inheritance. Affected: yes.

NM_017636.4(TRPM4):c.2167G>C (p.Glu723Gln)

Gene: TRPM4 (transient receptor potential cation channel subfamily M member 4; plus strand). Cytogenetic location: 19q13.33.
Variant type: single nucleotide variant.
Coding change: c.2167G>C on transcript NM_017636.4 (MANE Select); coding-DNA position 2167, G replaced by C.
Protein change: p.Glu723Gln; replaces glutamic acid 723 with glutamine.
Molecular consequence: missense variant.
Genome position (GRCh38, 1-based): chr19:49,190,730, G>C. VCF-style: chr19-49190730-G-C. GRCh37 (hg19) VCF-style: chr19-49693987-G-C.
Other names: c.2167G>C, p.Glu723Gln (NM_001195227.2); c.1822G>C, p.Glu608Gln (NM_001321281.2); c.559G>C, p.Glu187Gln (NM_001321282.2); c.1645G>C, p.Glu549Gln (NM_001321283.2); c.1105G>C, p.Glu369Gln (NM_001321285.2); c.2167G>C (NM_017636.3); short protein forms E369Q, E187Q, E549Q, E608Q, E723Q.
Identifiers: ClinVar variation 1525946 (VCV001525946.10), dbSNP rs765749642, ClinGen allele CA9569469.